The following is an entry in ClinVar:

NM_001378454.1(ALMS1):c.6496C>G (p.Leu2166Val)

Gene: ALMS1 (ALMS1 centrosome and basal body associated protein; plus strand). Cytogenetic location: 2p13.1.
Variant type: single nucleotide variant.
Coding change: c.6496C>G on transcript NM_001378454.1 (MANE Select); coding-DNA position 6496, C replaced by G.
Protein change: p.Leu2166Val; replaces leucine 2166 with valine.
Molecular consequence: missense variant.
Genome position (GRCh38, 1-based): chr2:73,453,023, C>G. VCF-style: chr2-73453023-C-G. GRCh37 (hg19) VCF-style: chr2-73680150-C-G.
Other names: c.6499C>G, p.Leu2167Val (NM_015120.4); short protein forms L2167V, L2166V.
Identifiers: ClinVar variation 555280 (VCV000555280.5), dbSNP rs1200119538, ClinGen allele CA347288159.
Genomic context (GRCh38, chr2:73,453,023, plus strand): 5'-GAGAAACCAGATATTTTCTATCAAAAGGATTTGCCAGATAGACATCTAACTGAAGATGCT[C>G]TAAAGATCTCAAGTGCTCTTGGGCAAGCTGATCAAATTACCGGATTACAAACAGTTCCCT-3'
Protein context (NP_001365383.1, residues 2156-2176): LPDRHLTEDA[Leu2166Val]KISSALGQAD

ClinVar aggregate classification (germline): Conflicting classifications of pathogenicity. Review status: criteria provided, conflicting classifications (1 of 4 stars). 4 submissions from 4 submitters: Uncertain significance (2); Likely benign (1). 1 of the submissions does not count toward it. Last evaluated 2024-11-26.

Conditions:
Cardiovascular phenotype. Identifiers: MedGen CN230736.
Alstrom syndrome (ALMS). Identifiers: Orphanet 64, MedGen C0268425, MONDO:0008763, OMIM 203800.

Allele frequency attached by ClinVar (database versions not stated): TOPMed below 0.00001; gnomAD 0.00001; gnomAD exomes 0.00001.
gnomAD v4.1: 7 of 1,613,308 alleles (0.00043%); highest among the groups gnomAD compares: Admixed American, 0.0017%; no homozygotes.

Submissions (4):

Ambry Genetics
Classification: Likely benign for Cardiovascular phenotype. Last evaluated: 2024-11-26. Review status: criteria provided, single submitter. Criteria: Ambry Variant Classification Scheme 2023. Collection method: clinical testing. Allele origin: germline.

GeneDx
Classification: Uncertain significance. Last evaluated: 2023-02-02. Review status: criteria provided, single submitter. Criteria: GeneDx Variant Classification Process June 2021. Collection method: clinical testing. Allele origin: germline. Affected: yes.
Comment: Not observed at significant frequency in large population cohorts (gnomAD); In silico analysis supports that this missense variant has a deleterious effect on protein structure/function; Has not been previously published as pathogenic or benign to our knowledge

Labcorp Genetics (formerly Invitae), Labcorp
Classification: Uncertain significance for Alstrom syndrome. Last evaluated: 2022-02-27. Review status: criteria provided, single submitter. Criteria: Invitae Variant Classification Sherloc (09022015). Collection method: clinical testing. Allele origin: germline.
Comment: This sequence change replaces leucine, which is neutral and non-polar, with valine, which is neutral and non-polar, at codon 2167 of the ALMS1 protein (p.Leu2167Val). This variant is not present in population databases (gnomAD no frequency). This variant has not been reported in the literature in individuals affected with ALMS1-related conditions. ClinVar contains an entry for this variant (Variation ID: 555280). Experimental studies and prediction algorithms are not available or were not evaluated, and the functional significance of this variant is currently unknown. In summary, the available evidence is currently insufficient to determine the role of this variant in disease. Therefore, it has been classified as a Variant of Uncertain Significance.

Counsyl
Classification: Uncertain significance for Alstrom syndrome. Last evaluated: 2017-12-01. Review status: no assertion criteria provided. Collection method: clinical testing. Allele origin: unknown. Not counted in ClinVar's aggregate classification.